The following is an entry in ClinVar:

ClinVar aggregate classification (germline): Uncertain significance. Review status: criteria provided, multiple submitters, no conflicts (2 of 4 stars). 2 submissions from 2 submitters: Uncertain significance (2). Last evaluated 2026-01-27.

Conditions:
Inborn genetic diseases. Identifiers: MedGen C0950123, MeSH D030342.
Hajdu-Cheney syndrome (HJCYS). Also called: SERPENTINE FIBULA-POLYCYSTIC KIDNEY SYNDROME; Acroosteolysis dominant type; ACROOSTEOLYSIS WITH OSTEOPOROSIS AND CHANGES IN SKULL AND MANDIBLE. Identifiers: Orphanet 955, MedGen C0917715, MONDO:0007057, OMIM 102500.

Allele frequency attached by ClinVar (database versions not stated): gnomAD exomes 0.00001; ExAC 0.00002; gnomAD 0.00003; TOPMed 0.00006.
gnomAD v4.1: 23 of 1,614,034 alleles (0.0014%); highest among the groups gnomAD compares: Admixed American, 0.0083%; no homozygotes.

Submissions (2):

Labcorp Genetics (formerly Invitae), Labcorp
Classification: Uncertain significance for Hajdu-Cheney syndrome. Last evaluated: 2026-01-27. Review status: criteria provided, single submitter. Criteria: Invitae Variant Classification Sherloc (09022015). Collection method: clinical testing. Allele origin: germline.
Comment: This sequence change replaces aspartic acid, which is acidic and polar, with alanine, which is neutral and non-polar, at codon 1537 of the NOTCH2 protein (p.Asp1537Ala). This variant is present in population databases (rs776462738, gnomAD 0.004%). This variant has not been reported in the literature in individuals affected with NOTCH2-related conditions. ClinVar contains an entry for this variant (Variation ID: 2197114). Invitae Evidence Modeling of protein sequence and biophysical properties (such as structural, functional, and spatial information, amino acid conservation, physicochemical variation, residue mobility, and thermodynamic stability) indicates that this missense variant is not expected to disrupt NOTCH2 protein function with a negative predictive value of 80%. In summary, the available evidence is currently insufficient to determine the role of this variant in disease. Therefore, it has been classified as a Variant of Uncertain Significance.

Ambry Genetics
Classification: Uncertain significance for Inborn genetic diseases. Last evaluated: 2022-04-07. Review status: criteria provided, single submitter. Criteria: Ambry Variant Classification Scheme 2023. Collection method: clinical testing. Allele origin: germline.

NM_024408.4(NOTCH2):c.4610A>C (p.Asp1537Ala)

Gene: NOTCH2 (notch receptor 2; minus strand). Cytogenetic location: 1p12.
Variant type: single nucleotide variant.
Coding change: c.4610A>C on transcript NM_024408.4 (MANE Select); coding-DNA position 4610, A replaced by C.
Protein change: p.Asp1537Ala; replaces aspartic acid 1537 with alanine.
Molecular consequence: missense variant.
Genome position (GRCh38, 1-based): chr1:119,923,886, T>G on the plus strand (A>C on the coding strand, the complement: NOTCH2 is on the minus strand). VCF-style: chr1-119923886-T-G. GRCh37 (hg19) VCF-style: chr1-120466509-T-G.
Other names: c.4610A>C (NM_024408.3); short protein forms D1537A.
Identifiers: ClinVar variation 2197114 (VCV002197114.5), dbSNP rs776462738, ClinGen allele CA1039828.